The following is an entry in ClinVar:

NM_014587.5(SOX8):c.241T>A (p.Trp81Arg)

Gene: SOX8 (SRY-box transcription factor 8; plus strand). Cytogenetic location: 16p13.3.
Variant type: single nucleotide variant.
Coding change: c.241T>A on transcript NM_014587.5 (MANE Select); coding-DNA position 241, T replaced by A.
Protein change: p.Trp81Arg; replaces tryptophan 81 with arginine.
Molecular consequence: missense variant.
Genome position (GRCh38, 1-based): chr16:982,163, T>A. VCF-style: chr16-982163-T-A. GRCh37 (hg19) VCF-style: chr16-1032163-T-A.
Other names: short protein forms W81R.
Identifiers: ClinVar variation 2645869 (VCV002645869.24), dbSNP rs2548424628, ClinGen allele CA394118124.
Genomic context (GRCh38, chr16:982,163, plus strand): 5'-GACGAGCGCTTCCCGGCCTGCATCCGCGACGCCGTGTCGCAGGTGCTCAAGGGCTACGAC[T>A]GGAGTCTGGTGCCCATGCCGGTGCGCGGCGGCGGCGGCGGCGCGCTCAAAGCCAAGCCGC-3'
Protein context (NP_055402.2, residues 71-91): AVSQVLKGYD[Trp81Arg]SLVPMPVRGG

ClinVar aggregate classification (germline): Uncertain significance (1 of 4 stars; one submission).

Submission:

CeGaT Center for Human Genetics Tuebingen
Classification: Uncertain significance. Last evaluated: 2023-01-01. Review status: criteria provided, single submitter. Criteria: CeGaT Center For Human Genetics Tuebingen Variant Classification Criteria Version 2. Collection method: clinical testing. Allele origin: germline. Affected: yes. Observed: 1 variant allele.
Comment: SOX8: PM2, PP2, PP3